The following is an entry in ClinVar:

ClinVar aggregate classification (germline): Uncertain significance. Review status: criteria provided, multiple submitters, no conflicts (2 of 4 stars). 3 submissions from 3 submitters: Uncertain significance (2). 1 of the submissions does not count toward it. Last evaluated 2024-10-25.

Conditions:
Inborn genetic diseases. Identifiers: MedGen C0950123, MeSH D030342.
Neuromuscular disease caused by qualitative or quantitative defects of dysferlin. Also called: Dysferlinopathy; Qualitative or quantitative defects of dysferlin. Identifiers: Orphanet 207073, MedGen C2931687, MONDO:0016145.
Autosomal recessive limb-girdle muscular dystrophy type 2B (LGMDR2). Also called: Limb-girdle muscular dystrophy, type 2B; MUSCULAR DYSTROPHY, LIMB-GIRDLE, TYPE 3; MUSCULAR DYSTROPHY, LIMB-GIRDLE, AUTOSOMAL RECESSIVE 2; Limb-Girdle Muscular Dystrophy Type 2B (LGMD2B). Identifiers: Orphanet 268, MedGen C1850889, MONDO:0009676, OMIM 253601.

Allele frequency attached by ClinVar (database versions not stated): TOPMed 0.00002.
gnomAD v4.1: 25 of 1,614,036 alleles (0.0015%); highest among the groups gnomAD compares: South Asian, 0.0044%; no homozygotes.

Submissions (3):

Ambry Genetics
Classification: Uncertain significance for Inborn genetic diseases. Last evaluated: 2024-10-25. Review status: criteria provided, single submitter. Criteria: Ambry Variant Classification Scheme 2023. Collection method: clinical testing. Allele origin: germline.

Labcorp Genetics (formerly Invitae), Labcorp
Classification: Uncertain significance for Neuromuscular disease caused by qualitative or quantitative defects of dysferlin. Last evaluated: 2022-07-06. Review status: criteria provided, single submitter. Criteria: Invitae Variant Classification Sherloc (09022015). Collection method: clinical testing. Allele origin: germline.
Comment: This sequence change replaces arginine, which is basic and polar, with glutamine, which is neutral and polar, at codon 1414 of the DYSF protein (p.Arg1414Gln). This variant is present in population databases (rs761337469, gnomAD 0.006%). This variant has not been reported in the literature in individuals affected with DYSF-related conditions. ClinVar contains an entry for this variant (Variation ID: 471304). Advanced modeling of protein sequence and biophysical properties (such as structural, functional, and spatial information, amino acid conservation, physicochemical variation, residue mobility, and thermodynamic stability) performed at Invitae indicates that this missense variant is not expected to disrupt DYSF protein function. Algorithms developed to predict the effect of sequence changes on RNA splicing suggest that this variant may create or strengthen a splice site. In summary, the available evidence is currently insufficient to determine the role of this variant in disease. Therefore, it has been classified as a Variant of Uncertain Significance.

Natera, Inc.
Classification: Uncertain significance for Limb-girdle muscular dystrophy type 2B. Last evaluated: 2019-10-28. Review status: no assertion criteria provided. Collection method: clinical testing. Allele origin: germline. Not counted in ClinVar's aggregate classification.

NM_001130987.2(DYSF):c.4295G>A (p.Arg1432Gln)

Gene: DYSF (dysferlin; plus strand). Cytogenetic location: 2p13.2.
Variant type: single nucleotide variant.
Coding change: c.4295G>A on transcript NM_001130987.2 (MANE Select); coding-DNA position 4295, G replaced by A.
Protein change: p.Arg1432Gln; replaces arginine 1432 with glutamine.
Molecular consequence: missense variant.
Genome position (GRCh38, 1-based): chr2:71,612,714, G>A. VCF-style: chr2-71612714-G-A. GRCh37 (hg19) VCF-style: chr2-71839844-G-A.
Other names: c.4244G>A, p.Arg1415Gln (NM_001130455.2, NM_001130983.2); c.4199G>A, p.Arg1400Gln (NM_001130976.2, NM_001130977.2); c.4241G>A, p.Arg1414Gln (NM_001130978.2, NM_003494.4); c.4334G>A, p.Arg1445Gln (NM_001130979.2); c.4292G>A, p.Arg1431Gln (NM_001130980.2, NM_001130981.2); c.4337G>A, p.Arg1446Gln (NM_001130982.2); c.4202G>A, p.Arg1401Gln (NM_001130984.2, NM_001130986.2); c.4295G>A, p.Arg1432Gln (NM_001130985.2); short protein forms R1432Q, R1414Q, R1415Q, R1431Q, R1445Q, R1400Q, R1401Q, R1446Q.
Identifiers: ClinVar variation 471304 (VCV000471304.11), dbSNP rs761337469, ClinGen allele CA1706960.